The following is an entry in ClinVar:

NM_015450.3(POT1):c.1630A>T (p.Met544Leu)

Gene: POT1 (protection of telomeres 1; minus strand). Cytogenetic location: 7q31.33.
Variant type: single nucleotide variant.
Coding change: c.1630A>T on transcript NM_015450.3 (MANE Select); coding-DNA position 1630, A replaced by T.
Protein change: p.Met544Leu; replaces methionine 544 with leucine.
Molecular consequence: missense variant. On other transcripts: non-coding transcript variant (3).
Genome position (GRCh38, 1-based): chr7:124,827,270, T>A on the plus strand (A>T on the coding strand, the complement: POT1 is on the minus strand). VCF-style: chr7-124827270-T-A. GRCh37 (hg19) VCF-style: chr7-124467324-T-A.
Other names: c.1237A>T, p.Met413Leu (NM_001042594.2); short protein forms M413L, M544L.
Identifiers: ClinVar variation 4673535 (VCV004673535.1).
Genomic context (GRCh38, chr7:124,827,270, plus strand): 5'-TTACAGAATCCATGAGATAGGCTTCTAGTACTCCTGTTCCATCATCAAGTGTAAAGGTCA[T>A]AACAAACACATATTGGAGGGGTACAATACCCAGTGCTAGTGAAGGAAAAAAAGATCAAAC-3'
Protein context (NP_056265.2, residues 534-554): GIVPLQYVFV[Met544Leu]TFTLDDGTGV

ClinVar aggregate classification (germline): Uncertain significance (1 of 4 stars; one submission).

Conditions:
Hereditary cancer-predisposing syndrome. Also called: Neoplastic Syndromes, Hereditary; Tumor predisposition; Hereditary Cancer Syndrome; Hereditary neoplastic syndrome. Identifiers: Orphanet 140162, MedGen C0027672, MeSH D009386, MONDO:0015356.

Submission:

Ambry Genetics
Classification: Uncertain significance for Hereditary cancer-predisposing syndrome. Last evaluated: 2025-10-07. Review status: criteria provided, single submitter. Criteria: Ambry Variant Classification Scheme 2023. Collection method: clinical testing. Allele origin: germline.
Comment: The p.M544L variant (also known as c.1630A>T), located in coding exon 13 of the POT1 gene, results from an A to T substitution at nucleotide position 1630. The methionine at codon 544 is replaced by leucine, an amino acid with highly similar properties. This amino acid position is conserved. In addition, this alteration is predicted to be tolerated by in silico analysis. Based on the available evidence, the clinical significance of this variant remains unclear.